The following is an entry in ClinVar:

ClinVar aggregate classification (germline): Uncertain significance (1 of 4 stars; one submission).

Conditions:
Autosomal recessive polycystic kidney disease (ARPKD). Also called: AR polycystic kidney disease. Identifiers: Orphanet 731, Orphanet 8378, MedGen C0085548, MeSH D017044, MONDO:0009889.

Submission:

Labcorp Genetics (formerly Invitae), Labcorp
Classification: Uncertain significance for Autosomal recessive polycystic kidney disease. Last evaluated: 2025-01-06. Review status: criteria provided, single submitter. Criteria: Invitae Variant Classification Sherloc (09022015). Collection method: clinical testing. Allele origin: germline.
Comment: This sequence change replaces valine, which is neutral and non-polar, with methionine, which is neutral and non-polar, at codon 1705 of the PKHD1 protein (p.Val1705Met). This variant is present in population databases (rs372486892, gnomAD 0.008%). This variant has not been reported in the literature in individuals affected with PKHD1-related conditions. Invitae Evidence Modeling of protein sequence and biophysical properties (such as structural, functional, and spatial information, amino acid conservation, physicochemical variation, residue mobility, and thermodynamic stability) indicates that this missense variant is not expected to disrupt PKHD1 protein function with a negative predictive value of 95%. In summary, the available evidence is currently insufficient to determine the role of this variant in disease. Therefore, it has been classified as a Variant of Uncertain Significance.

NM_138694.4(PKHD1):c.5113G>A (p.Val1705Met)

Genes: PKHD1 (PKHD1 ciliary IPT domain containing fibrocystin/polyductin; minus strand), LOC126859690 (MED14-independent group 3 enhancer GRCh37_chr6:51888848-51890047; plus strand). Cytogenetic location: 6p12.2.
Variant type: single nucleotide variant.
Coding change: c.5113G>A on transcript NM_138694.4 (MANE Select); coding-DNA position 5113, G replaced by A.
Protein change: p.Val1705Met; replaces valine 1705 with methionine.
Molecular consequence: missense variant.
Genome position (GRCh38, 1-based): chr6:52,024,697, C>T on the plus strand (G>A on the coding strand, the complement: PKHD1 is on the minus strand). VCF-style: chr6-52024697-C-T. GRCh37 (hg19) VCF-style: chr6-51889495-C-T.
Other names: c.5113G>A, p.Val1705Met (NM_170724.3); short protein forms V1705M.
Identifiers: ClinVar variation 3664624 (VCV003664624.1).
Genomic context (GRCh38, chr6:52,024,697, plus strand): 5'-ACCCTCTGATGCAGTCATAGCCTCTGACGTGGTACTCCCCGGCCGGAAGGGAAGGGACCA[C>T]GCACTGAAGAACGGTGTGGTTACCAGAGACACCCACACAGGGTGACATTCCTATAAAAAT-3'
Protein context (NP_619639.3, residues 1695-1715): VSGNHTVLQC[Val1705Met]VPSLPAGEYH